The following is an entry in ClinVar:

NM_000092.5(COL4A4):c.329G>A (p.Gly110Asp)

Gene: COL4A4 (collagen type IV alpha 4 chain; minus strand). Cytogenetic location: 2q36.3.
Variant type: single nucleotide variant.
Coding change: c.329G>A on transcript NM_000092.5 (MANE Select); coding-DNA position 329, G replaced by A.
Protein change: p.Gly110Asp; replaces glycine 110 with aspartic acid.
Molecular consequence: missense variant.
Genome position (GRCh38, 1-based): chr2:227,119,938, C>T on the plus strand (G>A on the coding strand, the complement: COL4A4 is on the minus strand). VCF-style: chr2-227119938-C-T. GRCh37 (hg19) VCF-style: chr2-227984654-C-T.
Other names: short protein forms G110D.
Identifiers: ClinVar variation 4817332 (VCV004817332.1).
Genomic context (GRCh38, chr2:227,119,938, plus strand): 5'-AATTTAGGGATACTTACAGGTATGCCATCTAAACCTGGAAATCCAGGAACACCAGTTGGA[C>T]CCTAAAATCCCAGAAAATAAAACAAAGAGATAAAAATTATTAAATTAATAAGCTGATTTA-3'
Protein context (NP_000083.3, residues 100-120): PGAAGDKGDK[Gly110Asp]PTGVPGFPGL

ClinVar aggregate classification (germline): Likely pathogenic (1 of 4 stars; one submission).

Conditions:
Alport syndrome. Also called: Hemorrhagic familial nephritis; Hemorrhagic hereditary nephritis; Congenital hereditary hematuria. Identifiers: Orphanet 63, MedGen C1567741, MONDO:0018965.

Submission:

Natera, Inc.
Classification: Likely pathogenic for Alport syndrome. Last evaluated: 2025-09-04. Review status: criteria provided, single submitter. Criteria: Natera Variant Classification Schema (03/2026). Collection method: clinical testing. Allele origin: germline.
Comment: The c.329G>A variant in COL4A4 is a missense variant predicted to cause substitution of glycine to aspartic acid at amino acid 110. This variant is rare in the general population with a frequency below the threshold expected for the associated phenotype(s). This variant is located in a functionally critical region of the protein. Computational prediction algorithms indicate this variant is likely to affect gene or protein function. Given the available evidence, this variant is classified as Likely Pathogenic.